The following is an entry in ClinVar:

NM_031407.7(HUWE1):c.5225T>C (p.Ile1742Thr)

Gene: HUWE1 (HECT, UBA and WWE domain containing E3 ubiquitin protein ligase 1; minus strand). Cytogenetic location: Xp11.22.
Variant type: single nucleotide variant.
Coding change: c.5225T>C on transcript NM_031407.7 (MANE Select); coding-DNA position 5225, T replaced by C.
Protein change: p.Ile1742Thr; replaces isoleucine 1742 with threonine.
Molecular consequence: missense variant.
Genome position (GRCh38, 1-based): chrX:53,583,853, A>G on the plus strand (T>C on the coding strand, the complement: HUWE1 is on the minus strand). VCF-style: chrX-53583853-A-G. GRCh37 (hg19) VCF-style: chrX-53610813-A-G.
Other names: short protein forms I1742T.
Identifiers: ClinVar variation 2504522 (VCV002504522.1), dbSNP rs2525533210, ClinGen allele CA413174272.

ClinVar aggregate classification (germline): Uncertain significance (1 of 4 stars; one submission).

Submission:

GeneDx
Classification: Uncertain significance. Last evaluated: 2022-12-01. Review status: criteria provided, single submitter. Criteria: GeneDx Variant Classification Process June 2021. Collection method: clinical testing. Allele origin: germline. Affected: yes.
Comment: Not observed at significant frequency in large population cohorts (gnomAD); In silico analysis supports that this missense variant does not alter protein structure/function; Has not been previously published as pathogenic or benign to our knowledge